The following is an entry in ClinVar:

NM_005909.5(MAP1B):c.6260C>T (p.Ser2087Phe)

Gene: MAP1B (microtubule associated protein 1B; plus strand). Cytogenetic location: 5q13.2.
Variant type: single nucleotide variant.
Coding change: c.6260C>T on transcript NM_005909.5 (MANE Select); coding-DNA position 6260, C replaced by T.
Protein change: p.Ser2087Phe; replaces serine 2087 with phenylalanine.
Molecular consequence: missense variant.
Genome position (GRCh38, 1-based): chr5:72,199,615, C>T. VCF-style: chr5-72199615-C-T. GRCh37 (hg19) VCF-style: chr5-71495442-C-T.
Other names: c.5882C>T, p.Ser1961Phe (NM_001324255.2); short protein forms S1961F, S2087F.
Identifiers: ClinVar variation 2502806 (VCV002502806.2), dbSNP rs896691505, ClinGen allele CA360022248.

ClinVar aggregate classification (germline): Uncertain significance (1 of 4 stars; one submission).

gnomAD v4.1: 3 of 1,614,164 alleles (0.00019%); highest among the groups gnomAD compares: Non-Finnish European, 0.00025%; no homozygotes.

Submission:

GeneDx
Classification: Uncertain significance. Last evaluated: 2025-08-07. Review status: criteria provided, single submitter. Criteria: GeneDx Variant Classification Process June 2021. Collection method: clinical testing. Allele origin: germline.
Comment: Not observed at significant frequency in large population cohorts (gnomAD); In silico analysis supports that this missense variant has a deleterious effect on protein structure/function; De novo variant with confirmed parentage; however, the reported clinical features are only partially consistent with the features typically observed in individuals with pathogenic variants in this gene; Has not been previously published as pathogenic or benign to our knowledge